The following is an entry in ClinVar:

ClinVar aggregate classification (germline): Uncertain significance. Review status: criteria provided, multiple submitters, no conflicts (2 of 4 stars). 2 submissions from 2 submitters: Uncertain significance (2). Last evaluated 2025-03-04.

Conditions:
Hereditary pulmonary alveolar proteinosis. Also called: Pulmonary surfactant metabolism dysfunction. Identifiers: Orphanet 264675, MedGen C3711368, MONDO:0012580.

gnomAD v4.1: 9 of 1,613,278 alleles (0.00056%); highest among the groups gnomAD compares: South Asian, 0.0011%; no homozygotes.

Submissions (2):

Labcorp Genetics (formerly Invitae), Labcorp
Classification: Uncertain significance. Last evaluated: 2025-03-04. Review status: criteria provided, single submitter. Criteria: Invitae Variant Classification Sherloc (09022015). Collection method: clinical testing. Allele origin: germline.
Comment: This sequence change replaces arginine, which is basic and polar, with glutamine, which is neutral and polar, at codon 1482 of the ABCA3 protein (p.Arg1482Gln). This variant is present in population databases (rs774652747, gnomAD 0.007%). This variant has not been reported in the literature in individuals affected with ABCA3-related conditions. ClinVar contains an entry for this variant (Variation ID: 3281296). Invitae Evidence Modeling of protein sequence and biophysical properties (such as structural, functional, and spatial information, amino acid conservation, physicochemical variation, residue mobility, and thermodynamic stability) indicates that this missense variant is expected to disrupt ABCA3 protein function with a positive predictive value of 80%. This variant disrupts the p.Arg1428 amino acid residue in ABCA3. Other variant(s) that disrupt this residue have been determined to be pathogenic (PMID: 17517255, 31360696). This suggests that this residue is clinically significant, and that variants that disrupt this residue are likely to be disease-causing. In summary, the available evidence is currently insufficient to determine the role of this variant in disease. Therefore, it has been classified as a Variant of Uncertain Significance.

Ambry Genetics
Classification: Uncertain significance for Hereditary pulmonary alveolar proteinosis. Last evaluated: 2024-05-28. Review status: criteria provided, single submitter. Criteria: Ambry Variant Classification Scheme 2023. Collection method: clinical testing. Allele origin: germline.

Literature cited by the submitters: PubMed 17517255 (cited by Labcorp Genetics (formerly Invitae), Labcorp); PubMed 31360696 (cited by Labcorp Genetics (formerly Invitae), Labcorp).

NM_001089.3(ABCA3):c.4445G>A (p.Arg1482Gln)

Gene: ABCA3 (ATP binding cassette subfamily A member 3; minus strand). Cytogenetic location: 16p13.3.
Variant type: single nucleotide variant.
Coding change: c.4445G>A on transcript NM_001089.3 (MANE Select); coding-DNA position 4445, G replaced by A.
Protein change: p.Arg1482Gln; replaces arginine 1482 with glutamine.
Molecular consequence: missense variant.
Genome position (GRCh38, 1-based): chr16:2,279,045, C>T on the plus strand (G>A on the coding strand, the complement: ABCA3 is on the minus strand). VCF-style: chr16-2279045-C-T. GRCh37 (hg19) VCF-style: chr16-2329046-C-T.
Other names: short protein forms R1482Q.
Identifiers: ClinVar variation 3281296 (VCV003281296.2).